The following is an entry in ClinVar:

NM_000257.4(MYH7):c.5066G>T (p.Arg1689Leu)

Genes: MHRT (myosin heavy chain associated RNA transcript; plus strand), MYH7 (myosin heavy chain 7; minus strand), LOC126861897 (BRD4-independent group 4 enhancer GRCh37_chr14:23884455-23885654; plus strand). Cytogenetic location: 14q11.2.
Variant type: single nucleotide variant.
Coding change: c.5066G>T on transcript NM_000257.4 (MANE Select); coding-DNA position 5066, G replaced by T.
Protein change: p.Arg1689Leu; replaces arginine 1689 with leucine.
Molecular consequence: missense variant. On other transcripts: non-coding transcript variant (1).
Genome position (GRCh38, 1-based): chr14:23,415,720, C>A on the plus strand (G>T on the coding strand, the complement: MYH7 is on the minus strand). VCF-style: chr14-23415720-C-A. GRCh37 (hg19) VCF-style: chr14-23884929-C-A.
Other names: c.5066G>T, p.Arg1689Leu (NM_001407004.1); short protein forms R1689L.
Identifiers: ClinVar variation 5003167 (VCV005003167.1).

ClinVar aggregate classification (germline): Uncertain significance (1 of 4 stars; one submission).

Conditions:
Dilated cardiomyopathy 1S (CMD1S). Identifiers: Orphanet 154, Orphanet 54260, MedGen C1834481, MONDO:0013262, OMIM 613426.

gnomAD v4.1: 2 of 1,614,204 alleles (0.00012%); highest among the groups gnomAD compares: South Asian, 0.0011%; no homozygotes.

Submission:

OLLIN Analises Genomicas, OLLIN
Classification: Uncertain significance for Dilated cardiomyopathy 1S. Last evaluated: 2026-08-06. Review status: criteria provided, single submitter. Criteria: ACMG Guidelines 2015 PMID 25741868. Collection method: clinical testing. Allele origin: germline. Inheritance: Autosomal dominant inheritance.
Comment: This missense variant, located in exon 35 (of 40), has been observed in gnomAD with an allele frequency of 0.000062%, but has not been reported in ClinVar or identified in the literature. In silico analysis predicts that this variant has a deleterious effect. According to the currently available evidence, this variant has been classified as uncertain significance (PM2_P, PP3).